The following is an entry in ClinVar:

ClinVar aggregate classification (germline): Pathogenic (1 of 4 stars; one submission).

Conditions:
Familial adenomatous polyposis 2. Also called: COLORECTAL ADENOMATOUS POLYPOSIS, AUTOSOMAL RECESSIVE; ADENOMAS, MULTIPLE COLORECTAL, AUTOSOMAL RECESSIVE; MYH-associated polyposis; MUTYH-associated polyposis; MUTYH-related attenuated familial adenomatous polyposis; FAP type 2. Identifiers: Orphanet 220460, Orphanet 247798, MedGen C3272841, MONDO:0012041, OMIM 608456.

Submission:

Myriad Genetics, Inc.
Classification: Pathogenic for Familial adenomatous polyposis 2. Last evaluated: 2025-04-24. Review status: criteria provided, single submitter. Criteria: Myriad Autosomal Dominant, Autosomal Recessive and X-Linked Classification Criteria (2023). Collection method: clinical testing. Allele origin: unknown.
Comment: This variant is considered pathogenic. This variant creates a frameshift predicted to result in premature protein truncation.

NM_001048174.2(MUTYH):c.33del (p.His12fs)

Gene: MUTYH (mutY DNA glycosylase; minus strand). Cytogenetic location: 1p34.1.
Variant type: Deletion.
Coding change: c.33del on transcript NM_001048174.2 (MANE Select); coding-DNA position 33, one base deleted (T; older notation c.33delT).
Protein change: p.His12fs; shifts the reading frame from histidine 12.
Molecular consequence: frameshift variant. On other transcripts: 5 prime UTR variant (7), non-coding transcript variant (7).
Genome position (GRCh38, 1-based): chr1:45,334,473, A deleted on the plus strand (T on the coding strand, the reverse complement: MUTYH is on the minus strand). VCF-style (leftmost placement, unchanged base first): chr1-45334472-GA-G. GRCh37 (hg19) VCF-style: chr1-45800144-GA-G.
Other names: c.33del, p.His12fs (NM_001407079.1, NM_001407080.1, NM_001407081.1 and 15 more transcripts); c.-175del (NM_001407082.1, NM_001350651.2); c.51del, p.His18fs (NM_001407087.1); c.-180del (NM_001407091.1, NM_001293192.2, NM_001293196.2); c.75del, p.His26fs (NM_001128425.2, NM_001293190.2, NM_001407069.1 and 2 more transcripts); c.-239del (NM_001350650.2); c.-124del (NM_001407075.1); short protein forms H12fs, H18fs, H26fs.
Identifiers: ClinVar variation 4071375 (VCV004071375.1).